The following is an entry in ClinVar:

NM_005413.4(SIX3):c.187GGC[6] (p.Gly69del)

Gene: SIX3 (SIX homeobox 3; plus strand). Cytogenetic location: 2p21.
Variant type: Microsatellite.
Coding change: c.187GGC[6] on transcript NM_005413.4 (MANE Select); six copies in a row of the 3-base unit GGC starting at c.187; the reference has seven copies in a row; one copy, 3 bases deleted.
Protein change: p.Gly69del; deletes glycine 69.
Genome position (GRCh38, 1-based): chr2:44,942,309-44,942,311, GGC deleted; deleting any 3 consecutive bases within chr2:44,942,291-44,942,311 gives the same sequence; the position shown is the placement nearest the transcript's 3' end. VCF-style (leftmost placement, unchanged base first): chr2-44942290-AGGC-A. GRCh37 (hg19) VCF-style: chr2-45169429-AGGC-A.
Other names: short protein forms G69del.
Identifiers: ClinVar variation 3060494 (VCV003060494.4), dbSNP rs555285206, ClinGen allele CA1642280.

ClinVar aggregate classification (germline): Uncertain significance. Review status: criteria provided, single submitter (1 of 4 stars). 2 submissions from 2 submitters: Uncertain significance (1). 1 of the submissions does not count toward it. Last evaluated 2024-04-08.

Conditions:
SIX3-related disorder. Also called: SIX3-related condition; SIX3-Related Disorders.
Holoprosencephaly 2 (HPE2). Identifiers: Orphanet 2162, MedGen C1834877, MONDO:0007999, OMIM 157170.

Submissions (2):

Labcorp Genetics (formerly Invitae), Labcorp
Classification: Uncertain significance for Holoprosencephaly 2. Last evaluated: 2024-04-08. Review status: criteria provided, single submitter. Criteria: Invitae Variant Classification Sherloc (09022015). Collection method: clinical testing. Allele origin: germline.
Comment: This variant, c.205_207del, results in the deletion of 1 amino acid(s) of the SIX3 protein (p.Gly69del), but otherwise preserves the integrity of the reading frame. The frequency data for this variant in the population databases is considered unreliable, as metrics indicate poor data quality at this position in the gnomAD database. This variant has not been reported in the literature in individuals affected with SIX3-related conditions. Experimental studies and prediction algorithms are not available or were not evaluated, and the functional significance of this variant is currently unknown. In summary, the available evidence is currently insufficient to determine the role of this variant in disease. Therefore, it has been classified as a Variant of Uncertain Significance.

PreventionGenetics, part of Exact Sciences
Classification: Likely benign for SIX3-related condition. Last evaluated: 2020-05-11. Review status: no assertion criteria provided. Collection method: clinical testing. Allele origin: germline. Not counted in ClinVar's aggregate classification.
Comment: This variant is classified as likely benign based on ACMG/AMP sequence variant interpretation guidelines (Richards et al. 2015 PMID: 25741868, with internal and published modifications).